The following is an entry in ClinVar:

NM_014717.3(ZNF536):c.916G>A (p.Asp306Asn)

Gene: ZNF536 (zinc finger protein 536; plus strand). Cytogenetic location: 19q12.
Variant type: single nucleotide variant.
Coding change: c.916G>A on transcript NM_014717.3 (MANE Select); coding-DNA position 916, G replaced by A.
Protein change: p.Asp306Asn; replaces aspartic acid 306 with asparagine.
Molecular consequence: missense variant.
Genome position (GRCh38, 1-based): chr19:30,444,478, G>A. VCF-style: chr19-30444478-G-A. GRCh37 (hg19) VCF-style: chr19-30935385-G-A.
Other names: c.916G>A, p.Asp306Asn (NM_001352260.2, NM_001376110.1, NM_001376111.1 and 1 more transcripts); short protein forms D306N.
Identifiers: ClinVar variation 4832174 (VCV004832174.1).

ClinVar aggregate classification (germline): Uncertain significance (1 of 4 stars; one submission).

gnomAD v4.1: 11 of 1,611,000 alleles (0.00068%); highest among the groups gnomAD compares: African/African-American, 0.012%; no homozygotes.

Submission:

Ambry Genetics
Classification: Uncertain significance. Last evaluated: 2026-01-21. Review status: criteria provided, single submitter. Criteria: Ambry Variant Classification Scheme 2023. Collection method: clinical testing. Allele origin: germline.
Comment: The c.916G>A (p.D306N) alteration is located in exon 2 (coding exon 1) of the ZNF536 gene. This alteration results from a G to A substitution at nucleotide position 916, causing the aspartic acid (D) at amino acid position 306 to be replaced by an asparagine (N). Based on data from gnomAD, the A allele has an overall frequency of 0.002% (5/278830) total alleles studied. The highest observed frequency was 0.016% (4/24698) of African alleles. Based on insufficient or conflicting evidence, the clinical significance of this alteration remains unclear.